The following is an entry in ClinVar:

NM_001267550.2(TTN):c.12643_12644del (p.Gln4215fs)

Gene: TTN (titin; minus strand). Cytogenetic location: 2q31.2.
Variant type: Microsatellite.
Coding change: c.12643_12644del on transcript NM_001267550.2 (MANE Select); coding-DNA positions 12643 to 12644, 2 bases deleted (CA; older notation c.12643_12644delCA).
Protein change: p.Gln4215fs; shifts the reading frame from glutamine 4215.
Molecular consequence: frameshift variant. On other transcripts: intron variant (1).
Genome position (GRCh38, 1-based): chr2:178,740,589-178,740,590, TG deleted on the plus strand (CA on the coding strand, the reverse complement: TTN is on the minus strand); deleting any 2 consecutive bases within chr2:178,740,589-178,740,592 gives the same sequence; the c. name uses the placement nearest the transcript's 3' end. VCF-style (leftmost placement, unchanged base first): chr2-178740588-CTG-C. GRCh37 (hg19) VCF-style: chr2-179605315-CTG-C.
Other names: c.11554_11555delCA (NM_003319.4); c.11692_11693del, p.Gln3898fs (NM_001256850.1); c.11554_11555del, p.Gln3852fs (NM_003319.4); c.11929_11930del, p.Gln3977fs (NM_133432.3); c.12130_12131del, p.Gln4044fs (NM_133437.4); c.10361-2230_10361-2229del (NM_133378.4); c.12643_12644delCA (LRG_391t1); short protein forms Q4044fs, Q3898fs, Q4215fs, Q3852fs, Q3977fs.
Identifiers: ClinVar variation 223267 (VCV000223267.13), dbSNP rs869312038, ClinGen allele CA353308.

ClinVar aggregate classification (germline): Likely pathogenic. Review status: criteria provided, multiple submitters, no conflicts (2 of 4 stars). 3 submissions from 3 submitters: Likely pathogenic (3). Last evaluated 2024-03-11.

Conditions:
Dilated cardiomyopathy 1G (CMD1G). Identifiers: Orphanet 154, MedGen C1858763, MONDO:0011400, OMIM 604145.
Autosomal recessive limb-girdle muscular dystrophy type 2J (LGMDR10). Also called: Limb-girdle muscular dystrophy, type 2J; MUSCULAR DYSTROPHY, LIMB-GIRDLE, AUTOSOMAL RECESSIVE 10. Identifiers: Orphanet 140922, MedGen C1837342, MONDO:0012127, OMIM 608807.
Primary dilated cardiomyopathy (DCM). Also called: Dilated Cardiomyopathy. Identifiers: Orphanet 217604, MedGen C0007193, MeSH D002311, MONDO:0005021, HP:0001644. Inheritance: Various modes of inheritance.
Cardiovascular phenotype. Identifiers: MedGen CN230736.

Submissions (3):

Labcorp Genetics (formerly Invitae), Labcorp
Classification: Likely pathogenic for Dilated cardiomyopathy 1G; Autosomal recessive limb-girdle muscular dystrophy type 2J. Last evaluated: 2024-03-11. Review status: criteria provided, single submitter. Criteria: Invitae Variant Classification Sherloc (09022015). Collection method: clinical testing. Allele origin: germline.
Comment: This sequence change creates a premature translational stop signal (p.Gln4215Valfs*16) in the TTN gene. While this is not anticipated to result in nonsense mediated decay, it is expected to create a truncated TTN protein. This variant is not present in population databases (gnomAD no frequency). This variant has not been observed in the literature in individuals with autosomal recessive TTN-related conditions. This variant has been reported in individual(s) with autosomal dominant dilated cardiomyopathy (PMID: 25589632, 31983221; Invitae); however, the role of the variant in this condition is currently unclear. ClinVar contains an entry for this variant (Variation ID: 223267). This variant is located in the I band of TTN (PMID: 25589632). Truncating variants in this region have been reported in individuals affected with autosomal recessive centronuclear myopathy (PMID: 23975875, Invitae internal data). Truncating variants in this region have also been identified in individuals affected with autosomal dominant dilated cardiomyopathy and/or cardio-related conditions (PMID: 27869827, 32964742, Invitae internal data). In summary, the currently available evidence indicates that the variant is pathogenic, but additional data are needed to prove that conclusively. Therefore, this variant has been classified as Likely Pathogenic.

Ambry Genetics
Classification: Likely pathogenic for Cardiovascular phenotype. Last evaluated: 2020-11-17. Review status: criteria provided, single submitter. Criteria: Ambry Variant Classification Scheme 2023. Collection method: clinical testing. Allele origin: germline.
Comment: The c.11554_11555delCA variant, located in coding exon 44 of the TTN gene, results from a deletion of two nucleotides at nucleotide positions 11554 to 11555, causing a translational frameshift with a predicted alternate stop codon (p.Q3852Vfs*16). This exon is located in the I-band region of the N2-B isoform of the titin protein and is constitutively expressed in TTN transcripts (percent spliced in or PSI 100%). This variant has been reported in a dilated cardiomyopathy cohort, though clinical details were limited (Roberts AM et al. Sci Transl Med, 2015 Jan;7:270ra6). This alteration is expected to result in loss of function by premature protein truncation or nonsense-mediated mRNA decay. While truncating variants in TTN are present in 1-3% of the general population, truncating variants in the A-band are the most common cause of dilated cardiomyopathy (DCM) (Herman DS et al. N. Engl. J. Med., 2012 Feb;366:619-28; Roberts AM et al. Sci Transl Med, 2015 Jan;7:270ra6). TTN truncating variants encoded in constitutive exons (PSI >90%) have been found to be significantly associated with DCM regardless of their position in titin (Schafer S et al. Nat. Genet., 2017 01;49:46-53). As such, this alteration is classified as likely pathogenic.

Cardiovascular Biomedical Research Unit, Royal Brompton & Harefield NHS Foundation Trust
Classification: Likely pathogenic for Primary dilated cardiomyopathy. Last evaluated: 2014-10-08. Review status: criteria provided, single submitter. Criteria: Roberts et al. 2015. Collection method: research. Allele origin: germline. Inheritance: Autosomal dominant inheritance. Affected: yes. Observed: 1 variant allele. Study: Unselected DCM.
Comment: In the seven cohorts assessed, TTNtv were found in 14% of ambulant DCM, 22% end-stage or familial DCM, and 2% controls. Heterozygous nonsense, frameshift and canonical splice-disrupting variants found in constitutive and other highly utilised exons are highly likely to be pathogenic when identified in individuals with phenotypically confirmed DCM. TTNtv found incidentally in healthy individuals (excluding familial assessment of DCM relatives) are thought to have low penetrance, particularly when identified in exons that are not constitutively expressed in the heart.

Literature cited by the submitters: PubMed 25589632 (cited by Labcorp Genetics (formerly Invitae), Labcorp and Ambry Genetics); PubMed 31983221 (cited by Labcorp Genetics (formerly Invitae), Labcorp); PubMed 23975875 (cited by Labcorp Genetics (formerly Invitae), Labcorp); PubMed 27869827 (cited by Labcorp Genetics (formerly Invitae), Labcorp); PubMed 32964742 (cited by Labcorp Genetics (formerly Invitae), Labcorp).